The following is an entry in ClinVar:

NM_005591.4(MRE11):c.689C>T (p.Pro230Leu)

Gene: MRE11 (MRE11 double strand break repair nuclease; minus strand). Cytogenetic location: 11q21.
Variant type: single nucleotide variant.
Coding change: c.689C>T on transcript NM_005591.4 (MANE Select); coding-DNA position 689, C replaced by T.
Protein change: p.Pro230Leu; replaces proline 230 with leucine.
Molecular consequence: missense variant.
Genome position (GRCh38, 1-based): chr11:94,471,730, G>A on the plus strand (C>T on the coding strand, the complement: MRE11 is on the minus strand). VCF-style: chr11-94471730-G-A. GRCh37 (hg19) VCF-style: chr11-94204896-G-A.
Other names: c.689C>T, p.Pro230Leu (NM_001330347.2, NM_005590.4); short protein forms P230L.
Identifiers: ClinVar variation 186277 (VCV000186277.14), dbSNP rs185439615, ClinGen allele CA333893.

ClinVar aggregate classification (germline): Conflicting classifications of pathogenicity. Review status: criteria provided, conflicting classifications (1 of 4 stars). 4 submissions from 4 submitters: Uncertain significance (3); Likely benign (1). Last evaluated 2025-01-26.

Conditions:
Ataxia-telangiectasia-like disorder (ATLD). Identifiers: MedGen C1858391, MONDO:0011457.
Hereditary cancer-predisposing syndrome. Also called: Neoplastic Syndromes, Hereditary; Tumor predisposition; Hereditary Cancer Syndrome; Hereditary neoplastic syndrome. Identifiers: Orphanet 140162, MedGen C0027672, MeSH D009386, MONDO:0015356.
Ataxia-telangiectasia-like disorder 1 (ATLD1). Identifiers: Orphanet 251347, MedGen C4012790, MONDO:0024557, OMIM 604391.

Allele frequency attached by ClinVar (database versions not stated): gnomAD 0.00001; gnomAD exomes 0.00002 and 0.00012; TOPMed 0.00005; ExAC 0.00011; 1000 Genomes Project 0.00020; 1000 Genomes Project 30x 0.00031.
gnomAD v4.1: 30 of 1,612,002 alleles (0.0019%); highest among the groups gnomAD compares: East Asian, 0.063%; no homozygotes.

Submissions (4):

Labcorp Genetics (formerly Invitae), Labcorp
Classification: Uncertain significance for Ataxia-telangiectasia-like disorder. Last evaluated: 2025-01-26. Review status: criteria provided, single submitter. Criteria: Invitae Variant Classification Sherloc (09022015). Collection method: clinical testing. Allele origin: germline.
Comment: This sequence change replaces proline, which is neutral and non-polar, with leucine, which is neutral and non-polar, at codon 230 of the MRE11 protein (p.Pro230Leu). This variant is present in population databases (rs185439615, gnomAD 0.2%). This missense change has been observed in individual(s) with breast and colon cancer (PMID: 26757417, 29752822, 30093976). ClinVar contains an entry for this variant (Variation ID: 186277). An algorithm developed to predict the effect of missense changes on protein structure and function (PolyPhen-2) suggests that this variant is likely to be disruptive. In summary, the available evidence is currently insufficient to determine the role of this variant in disease. Therefore, it has been classified as a Variant of Uncertain Significance.

Fulgent Genetics
Classification: Uncertain significance for Ataxia-telangiectasia-like disorder 1. Last evaluated: 2024-04-11. Review status: criteria provided, single submitter. Criteria: ACMG Guidelines, 2015. Collection method: clinical testing. Allele origin: germline.

Baylor Genetics
Classification: Uncertain significance for Ataxia-telangiectasia-like disorder 1. Last evaluated: 2023-02-16. Review status: criteria provided, single submitter. Criteria: ACMG Guidelines, 2015. Collection method: clinical testing. Allele origin: unknown.

Ambry Genetics
Classification: Likely benign for Hereditary cancer-predisposing syndrome. Last evaluated: 2022-12-09. Review status: criteria provided, single submitter. Criteria: Ambry Variant Classification Scheme 2023. Collection method: clinical testing. Allele origin: germline.

Literature cited by the submitters: PubMed 26757417 (cited by Labcorp Genetics (formerly Invitae), Labcorp and Ambry Genetics); PubMed 29752822 (cited by Labcorp Genetics (formerly Invitae), Labcorp and Ambry Genetics); PubMed 30093976 (cited by Labcorp Genetics (formerly Invitae), Labcorp and Ambry Genetics).